The following is an entry in ClinVar:

ClinVar aggregate classification (germline): Uncertain significance (1 of 4 stars; one submission).

Submission:

Labcorp Genetics (formerly Invitae), Labcorp
Classification: Uncertain significance. Last evaluated: 2022-06-13. Review status: criteria provided, single submitter. Criteria: Invitae Variant Classification Sherloc (09022015). Collection method: clinical testing. Allele origin: germline.
Comment: In summary, the available evidence is currently insufficient to determine the role of this variant in disease. Therefore, it has been classified as a Variant of Uncertain Significance. This variant has not been reported in the literature in individuals affected with PRDM13-related conditions. This variant is not present in population databases (gnomAD no frequency). This variant, c.1072_1083dup, results in the insertion of 4 amino acid(s) of the PRDM13 protein (p.Ala358_His361dup), but otherwise preserves the integrity of the reading frame.

NM_021620.4(PRDM13):c.1072_1083dup (p.His361_His362insAlaHisHisHis)

Genes: PRDM13 (PR/SET domain 13; plus strand), LOC129996881 (ATAC-STARR-seq lymphoblastoid silent region 17422; plus strand). Cytogenetic location: 6q16.2.
Variant type: Duplication.
Coding change: c.1072_1083dup on transcript NM_021620.4 (MANE Select); coding-DNA positions 1072 to 1083, 12 bases duplicated (GCGCACCACCAC).
Protein change: p.His361_His362insAlaHisHisHis.
Molecular consequence: inframe insertion.
Genome position (GRCh38, 1-based): chr6:99,613,707-99,613,718, GCGCACCACCAC duplicated; duplicating any 12 consecutive bases within chr6:99,613,698-99,613,718 gives the same sequence; the c. name uses the placement nearest the transcript's 3' end. VCF-style (leftmost placement, unchanged base first): chr6-99613697-T-TCACCACCACGCG. GRCh37 (hg19) VCF-style: chr6-100061573-T-TCACCACCACGCG.
Identifiers: ClinVar variation 2045842 (VCV002045842.4), dbSNP rs1197043084, ClinGen allele CA2578699068.
Genomic context (GRCh38, chr6:99,613,697, plus strand): 5'-GGCGTGCGGGCGCCCCGGGAGCGGGGAGAACTCGGCGGCGGGCGGCGCGGGTCACCACCA[T>TCACCACCACGCG]CACCACCACGCGCACCACCACCACCATCCCAAGTGCCTGCTCGCTGGGGACCCGCCGCCG-3'